The following is an entry in ClinVar:

NM_000179.3(MSH6):c.2874_2885del (p.Gln958_Ile962delinsHis)

Gene: MSH6 (mutS homolog 6; plus strand). Cytogenetic location: 2p16.3.
Variant type: Deletion.
Coding change: c.2874_2885del on transcript NM_000179.3 (MANE Select); coding-DNA positions 2874 to 2885, 12 bases deleted (GCGCAACAGAAT).
Protein change: p.Gln958_Ile962delinsHis.
Molecular consequence: inframe indel.
Genome position (GRCh38, 1-based): chr2:47,800,857-47,800,868, GCGCAACAGAAT deleted. VCF-style (leftmost placement, unchanged base first): chr2-47800856-AGCGCAACAGAAT-A. GRCh37 (hg19) VCF-style: chr2-48027995-AGCGCAACAGAAT-A.
Other names: c.2874_2885delGCGCAACAGAAT (NM_000179.2); c.2484_2495del, p.Gln828_Ile832delinsHis (NM_001281492.2); c.1968_1979del, p.Gln656_Ile660delinsHis (NM_001281493.2, NM_001281494.2).
Identifiers: ClinVar variation 650268 (VCV000650268.9), dbSNP rs1572729044, ClinGen allele CA915943937.

ClinVar aggregate classification (germline): Conflicting classifications of pathogenicity. Review status: criteria provided, conflicting classifications (1 of 4 stars). 2 submissions from 2 submitters: Likely pathogenic (1); Uncertain significance (1). Last evaluated 2021-02-24.

Conditions:
Hereditary cancer-predisposing syndrome. Also called: Neoplastic Syndromes, Hereditary; Tumor predisposition; Hereditary Cancer Syndrome; Hereditary neoplastic syndrome. Identifiers: Orphanet 140162, MedGen C0027672, MeSH D009386, MONDO:0015356.
Hereditary nonpolyposis colorectal neoplasms. Identifiers: MedGen C0009405, MeSH D003123.

Submissions (2):

Ambry Genetics
Classification: Likely pathogenic for Hereditary cancer-predisposing syndrome. Last evaluated: 2021-02-24. Review status: criteria provided, single submitter. Criteria: Ambry Variant Classification Scheme 2023. Collection method: clinical testing. Allele origin: germline.
Comment: The c.2874_2885del12 variant (also known as p.Q958_I962delinsH), located in coding exon 4 of the MSH6 gene, results from an in-frame deletion of GCGCAACAGAAT at nucleotide positions 2874 to 2885. This results in the substitution of a histidine (H) residue for five amino acids (QRNRI) at codons 958 to 962. Based on internal structural assessment, this alteration disrupts the structure of the lever domain near the clamp domain of MSH6 and is predicted to be deleterious (Warren JJ et al. Mol. Cell, 2007 May;26:579-92). This amino acid region is generally well conserved through mammals. This variant was not reported in population-based cohorts in the Genome Aggregation Database (gnomAD). In addition, this alteration is predicted to be deleterious by in silico analysis (Choi Y et al. PLoS ONE. 2012; 7(10):e46688). As such, this alteration is classified as likely pathogenic.

Labcorp Genetics (formerly Invitae), Labcorp
Classification: Uncertain significance for Hereditary nonpolyposis colorectal neoplasms. Last evaluated: 2018-07-26. Review status: criteria provided, single submitter. Criteria: Invitae Variant Classification Sherloc (09022015). Collection method: clinical testing. Allele origin: germline.
Comment: Experimental studies and prediction algorithms are not available for this variant, and the functional significance of the disrupted amino acids is currently unknown. This variant, c.2874_2885del, replaces 5 amino acids of the MSH6 protein at codon 958-962 with a different amino acid (p.Gln958_Ile962delinsHis), but otherwise preserves the integrity of the reading frame. This variant is not present in population databases (ExAC no frequency). This variant has not been reported in the literature in individuals with MSH6-related disease. In summary, the available evidence is currently insufficient to determine the role of this variant in disease. Therefore, it has been classified as a Variant of Uncertain Significance.

Literature cited by the submitters: PubMed 17531815 (cited by Ambry Genetics).